The following is an entry in ClinVar:

NM_015378.4(VPS13D):c.10968G>A (p.Leu3656=)

Gene: VPS13D (vacuolar protein sorting 13 homolog D; plus strand). Cytogenetic location: 1p36.22.
Variant type: single nucleotide variant.
Coding change: c.10968G>A on transcript NM_015378.4 (MANE Select); coding-DNA position 10968, G replaced by A.
Protein change: p.Leu3656=; no amino-acid change (leucine 3656 retained).
Molecular consequence: synonymous variant.
Genome position (GRCh38, 1-based): chr1:12,378,478, G>A. VCF-style: chr1-12378478-G-A. GRCh37 (hg19) VCF-style: chr1-12438532-G-A.
Other names: c.10893G>A, p.Leu3631= (NM_018156.4).
Identifiers: ClinVar variation 2051216 (VCV002051216.12), dbSNP rs148992866, ClinGen allele CA603829.

ClinVar aggregate classification (germline): Conflicting classifications of pathogenicity. Review status: criteria provided, conflicting classifications (1 of 4 stars). 2 submissions from 2 submitters: Uncertain significance (1); Likely benign (1). Last evaluated 2025-07-07.

Allele frequency attached by ClinVar (database versions not stated): TOPMed 0.00006; gnomAD 0.00009; ExAC 0.00017; ESP Exome Variant Server 0.00023.
gnomAD v4.1: 127 of 1,612,176 alleles (0.0079%); highest among the groups gnomAD compares: Middle Eastern, 0.083%; no homozygotes.

Submissions (2):

Labcorp Genetics (formerly Invitae), Labcorp
Classification: Likely benign. Last evaluated: 2025-07-07. Review status: criteria provided, single submitter. Criteria: Invitae Variant Classification Sherloc (09022015). Collection method: clinical testing. Allele origin: germline.

CeGaT Center for Human Genetics Tuebingen
Classification: Uncertain significance. Last evaluated: 2025-06-01. Review status: criteria provided, single submitter. Criteria: CeGaT Center For Human Genetics Tuebingen Variant Classification Criteria Version 2. Collection method: clinical testing. Allele origin: germline. Affected: yes. Observed: 1 variant allele.
Comment: VPS13D: PM2, BP4